The following is an entry in ClinVar:

ClinVar aggregate classification (germline): Likely benign (0 of 4 stars; one submission).

Conditions:
SPATA13-related disorder. Also called: SPATA13-related condition.

Allele frequency attached by ClinVar (database versions not stated): TOPMed 0.00008; gnomAD 0.00016; 1000 Genomes Project 0.00040; 1000 Genomes Project 30x 0.00047; ExAC 0.00072.
gnomAD v4.1: 442 of 1,609,676 alleles (0.027%); highest among the groups gnomAD compares: South Asian, 0.37%; 5 homozygotes.

Submission:

PreventionGenetics, part of Exact Sciences
Classification: Likely benign for SPATA13-related condition. Last evaluated: 2022-09-20. Review status: no assertion criteria provided. Collection method: clinical testing. Allele origin: germline.
Comment: This variant is classified as likely benign based on ACMG/AMP sequence variant interpretation guidelines (Richards et al. 2015 PMID: 25741868, with internal and published modifications).

NM_001166271.3(SPATA13):c.1991C>T (p.Thr664Met)

Gene: SPATA13 (spermatogenesis associated 13; plus strand). Cytogenetic location: 13q12.12.
Variant type: single nucleotide variant.
Coding change: c.1991C>T on transcript NM_001166271.3 (MANE Select); coding-DNA position 1991, C replaced by T.
Protein change: p.Thr664Met; replaces threonine 664 with methionine.
Molecular consequence: missense variant.
Genome position (GRCh38, 1-based): chr13:24,249,814, C>T. VCF-style: chr13-24249814-C-T. GRCh37 (hg19) VCF-style: chr13-24823952-C-T.
Other names: c.2177C>T, p.Thr726Met (NM_001286792.2); c.116C>T, p.Thr39Met (NM_153023.4); short protein forms T39M, T664M, T726M.
Identifiers: ClinVar variation 3040085 (VCV003040085.2), dbSNP rs543934868, ClinGen allele CA6914027.